The following is an entry in ClinVar:

ClinVar aggregate classification (germline): Pathogenic (1 of 4 stars; one submission).

Conditions:
Primary ciliary dyskinesia 9. Also called: CILIARY DYSKINESIA, PRIMARY, 9, WITH OR WITHOUT SITUS INVERSUS. Identifiers: Orphanet 244, MedGen C2676235, MONDO:0012906, OMIM 612444.

Submission:

Myriad Genetics, Inc.
Classification: Pathogenic for Primary ciliary dyskinesia 9. Last evaluated: 2024-05-14. Review status: criteria provided, single submitter. Criteria: Myriad Autosomal Dominant, Autosomal Recessive and X-Linked Classification Criteria (2023). Collection method: clinical testing. Allele origin: unknown.
Comment: NM_023036.4(DNAI2):c.787_788ins14(R263Qfs*40) is expected to be pathogenic in the context of primary ciliary dyskinesia, DNAI2-related. This variant is predicted to lead to an abnormal or absent protein product due to the creation of a premature termination codon in DNAI2, a gene where loss-of-function variants are known to be pathogenic. Please note: this variant was assessed in the context of healthy population screening.

NM_023036.6(DNAI2):c.787_788insAGGCTGCCCTTTCG (p.Arg263fs)

Gene: DNAI2 (dynein axonemal intermediate chain 2; plus strand). Cytogenetic location: 17q25.1.
Variant type: Insertion.
Coding change: c.787_788insAGGCTGCCCTTTCG on transcript NM_023036.6 (MANE Select); coding-DNA positions 787 to 788, AGGCTGCCCTTTCG inserted.
Protein change: p.Arg263fs; shifts the reading frame from arginine 263.
Molecular consequence: frameshift variant. On other transcripts: non-coding transcript variant (1).
Genome position: GRCh38 VCF-style: chr17-74299780-C-CAGGCTGCCCTTTCG. GRCh37 (hg19) VCF-style: chr17-72295919-C-CAGGCTGCCCTTTCG.
Other names: c.787_788insAGGCTGCCCTTTCG, p.Arg263fs (NM_001172810.3, NM_001353167.2); short protein forms R263fs.
Identifiers: ClinVar variation 5010426 (VCV005010426.1).